The following is an entry in ClinVar:

NM_001382567.1(STIM1):c.1189del (p.Ala397fs)

Gene: STIM1 (stromal interaction molecule 1; plus strand). Cytogenetic location: 11p15.4.
Variant type: Deletion.
Coding change: c.1189del on transcript NM_001382567.1 (MANE Select); coding-DNA position 1189, one base deleted (G; older notation c.1189delG).
Protein change: p.Ala397fs; shifts the reading frame from alanine 397.
Molecular consequence: frameshift variant. On other transcripts: non-coding transcript variant (2).
Genome position (GRCh38, 1-based): chr11:4,082,933, G deleted; the last of 2 consecutive G bases (chr11:4,082,932-4,082,933); deleting either gives the same sequence. VCF-style (leftmost placement, unchanged base first): chr11-4082931-TG-T. GRCh37 (hg19) VCF-style: chr11-4104161-TG-T.
Other names: c.1189del, p.Ala397fs (NM_001277961.3, NM_001277962.2, NM_001382568.1 and 1 more transcripts); c.967del, p.Ala323fs (NM_001382566.1, NM_001382573.1, NM_001382575.1 and 4 more transcripts); c.1054del, p.Ala352fs (NM_001382569.1); c.961del, p.Ala321fs (NM_001382570.1); c.709del, p.Ala237fs (NM_001382571.1); c.700del, p.Ala234fs (NM_001382580.1, NM_001382581.1); short protein forms A352fs, A397fs, A234fs, A321fs, A323fs, A237fs.
Identifiers: ClinVar variation 1457776 (VCV001457776.6), dbSNP rs2133224258, ClinGen allele CA2573146086.
Genomic context (GRCh38, chr11:4,082,931, plus strand): 5'-CATCTTTGCAGGCTGAGAAGATAAAAAAGAAGAGAAACACACTCTTTGGCACCTTCCACG[TG>T]GCCCACAGCTCTTCCCTGGATGATGTAGATCATAAAATTCTAACAGCTAAGTAAGTAACA-3'

ClinVar aggregate classification (germline): Pathogenic (1 of 4 stars; one submission).

Conditions:
Stormorken syndrome (STRMK). Also called: THROMBOCYTOPATHY, ASPLENIA, AND MIOSIS. Identifiers: Orphanet 3204, MedGen C1861451, MONDO:0008497, OMIM 185070.
Combined immunodeficiency due to STIM1 deficiency. Also called: STIM1 DEFICIENCY; IMMUNODEFICIENCY 10. Identifiers: Orphanet 169090, Orphanet 317430, MedGen C2748557, MONDO:0013008, OMIM 612783.
Myopathy with tubular aggregates (TAM). Also called: Tubular Aggregate Myopathy. Identifiers: Orphanet 2593, MedGen C0410207, MONDO:0008051.

Submission:

Labcorp Genetics (formerly Invitae), Labcorp
Classification: Pathogenic for Myopathy with tubular aggregates; Combined immunodeficiency due to STIM1 deficiency; Stormorken syndrome. Last evaluated: 2021-03-27. Review status: criteria provided, single submitter. Criteria: Invitae Variant Classification Sherloc (09022015). Collection method: clinical testing. Allele origin: germline.
Comment: For these reasons, this variant has been classified as Pathogenic. This variant has not been reported in the literature in individuals with STIM1-related conditions. This variant is not present in population databases (ExAC no frequency). This sequence change creates a premature translational stop signal (p.Ala397Profs*9) in the STIM1 gene. It is expected to result in an absent or disrupted protein product. Loss-of-function variants in STIM1 are known to be pathogenic (PMID: 19420366, 20876309).

Literature cited by the submitters: PubMed 19420366; PubMed 20876309.